The following is an entry in ClinVar:

ClinVar aggregate classification (germline): Uncertain significance. Review status: criteria provided, multiple submitters, no conflicts (2 of 4 stars). 2 submissions from 2 submitters: Uncertain significance (2). Last evaluated 2025-12-03.

Conditions:
Dyskeratosis congenita, autosomal recessive 5 (DKCB5). Identifiers: MedGen C3554656, MONDO:0014076, OMIM 615190.
Pulmonary fibrosis and/or bone marrow failure, Telomere-related, 3. Also called: PULMONARY FIBROSIS AND/OR BONE MARROW FAILURE SYNDROME, TELOMERE-RELATED, 3. Identifiers: Orphanet 2032, MedGen C4225346, MONDO:0014613, OMIM 616373.

Submissions (2):

Women's Health and Genetics/Laboratory Corporation of America, LabCorp
Classification: Uncertain significance. Last evaluated: 2025-12-03. Review status: criteria provided, single submitter. Criteria: LabCorp Variant Classification Summary - May 2015. Collection method: clinical testing. Allele origin: germline.
Comment: Variant summary: RTEL1 c.2965G>C (p.Glu989Gln) results in a conservative amino acid change in the encoded protein sequence. Algorithms developed to predict the effect of missense changes on protein structure and function are either unavailable or do not agree on the potential impact of this missense change. The variant allele was found at a frequency of 2e-05 in 249380 control chromosomes (gnomAD). The available data on variant occurrences in the general population are insufficient to allow any conclusion about variant significance. c.2965G>C has been observed in individuals affected with myelodysplasia, congenital neutropenia or idiopathic pulmonary fibrosis (Cardoso_2017, Arunachalam_2019, Fang_2020). These reports do not provide unequivocal conclusions about association of the variant with Dyskeratosis Congenita (Hoyeraal Hreidarsson Syndrome). To our knowledge, no experimental evidence demonstrating an impact on protein function has been reported. The following publications have been ascertained in the context of this evaluation (PMID: 31732620, 28495916, 32583532). ClinVar contains an entry for this variant (Variation ID: 3760959). Based on the evidence outlined above, the variant was classified as uncertain significance.

Labcorp Genetics (formerly Invitae), Labcorp
Classification: Uncertain significance for Dyskeratosis congenita, autosomal recessive 5; Pulmonary fibrosis and/or bone marrow failure, Telomere-related, 3. Last evaluated: 2024-07-15. Review status: criteria provided, single submitter. Criteria: Invitae Variant Classification Sherloc (09022015). Collection method: clinical testing. Allele origin: germline.
Comment: This sequence change replaces glutamic acid, which is acidic and polar, with glutamine, which is neutral and polar, at codon 965 of the RTEL1 protein (p.Glu965Gln). This variant is present in population databases (rs778531697, gnomAD 0.01%). This missense change has been observed in individual(s) with congenital neutropenia (PMID: 31732620). This variant is also known as c.2965G>C (p.Glu989Gln). An algorithm developed to predict the effect of missense changes on protein structure and function (PolyPhen-2) suggests that this variant is likely to be disruptive. In summary, the available evidence is currently insufficient to determine the role of this variant in disease. Therefore, it has been classified as a Variant of Uncertain Significance.

Literature cited by the submitters: PubMed 32583532 (cited by Women's Health and Genetics/Laboratory Corporation of America, LabCorp); PubMed 31732620 (cited by Women's Health and Genetics/Laboratory Corporation of America, LabCorp and Labcorp Genetics (formerly Invitae), Labcorp); PubMed 28495916 (cited by Women's Health and Genetics/Laboratory Corporation of America, LabCorp).

NM_001283009.2(RTEL1):c.2893G>C (p.Glu965Gln)

Genes: RTEL1 (regulator of telomere elongation helicase 1; plus strand), RTEL1-TNFRSF6B (RTEL1-TNFRSF6B readthrough (NMD candidate); plus strand). Cytogenetic location: 20q13.33.
Variant type: single nucleotide variant.
Coding change: c.2893G>C on transcript NM_001283009.2 (MANE Select); coding-DNA position 2893, G replaced by C.
Protein change: p.Glu965Gln; replaces glutamic acid 965 with glutamine.
Molecular consequence: missense variant. On other transcripts: non-coding transcript variant (1).
Genome position (GRCh38, 1-based): chr20:63,693,184, G>C. VCF-style: chr20-63693184-G-C. GRCh37 (hg19) VCF-style: chr20-62324537-G-C.
Other names: c.2224G>C, p.Glu742Gln (NM_001283010.1); c.2893G>C, p.Glu965Gln (NM_016434.4); c.2965G>C, p.Glu989Gln (NM_032957.5); short protein forms E742Q, E965Q, E989Q.
Identifiers: ClinVar variation 3760959 (VCV003760959.3).